The following is an entry in ClinVar:

ClinVar aggregate classification (germline): Uncertain significance (1 of 4 stars; one submission).

Conditions:
Combined immunodeficiency due to LRBA deficiency. Also called: Common variable immunodeficiency 8, with autoimmunity. Identifiers: Orphanet 445018, MedGen C3553512, MONDO:0013863, OMIM 614700.

Submission:

Labcorp Genetics (formerly Invitae), Labcorp
Classification: Uncertain significance for Combined immunodeficiency due to LRBA deficiency. Last evaluated: 2025-10-06. Review status: criteria provided, single submitter. Criteria: Invitae Variant Classification Sherloc (09022015). Collection method: clinical testing. Allele origin: germline.
Comment: This sequence change replaces threonine, which is neutral and polar, with asparagine, which is neutral and polar, at codon 26 of the LRBA protein (p.Thr26Asn). This variant is not present in population databases (gnomAD no frequency). This variant has not been reported in the literature in individuals affected with LRBA-related conditions. An algorithm developed to predict the effect of missense changes on protein structure and function (PolyPhen-2) suggests that this variant is likely to be tolerated. In summary, the available evidence is currently insufficient to determine the role of this variant in disease. Therefore, it has been classified as a Variant of Uncertain Significance.

NM_001364905.1(LRBA):c.77C>A (p.Thr26Asn)

Gene: LRBA (LPS responsive beige-like anchor protein; minus strand). Cytogenetic location: 4q31.3.
Variant type: single nucleotide variant.
Coding change: c.77C>A on transcript NM_001364905.1 (MANE Select); coding-DNA position 77, C replaced by A.
Protein change: p.Thr26Asn; replaces threonine 26 with asparagine.
Molecular consequence: missense variant.
Genome position (GRCh38, 1-based): chr4:151,014,566, G>T on the plus strand (C>A on the coding strand, the complement: LRBA is on the minus strand). VCF-style: chr4-151014566-G-T. GRCh37 (hg19) VCF-style: chr4-151935718-G-T.
Other names: c.77C>A, p.Thr26Asn (NM_001199282.3, NM_001367550.1, NM_001440430.1 and 2 more transcripts); short protein forms T26N.
Identifiers: ClinVar variation 4763737 (VCV004763737.1).
Genomic context (GRCh38, chr4:151,014,566, plus strand): 5'-ATTCTGATGCCCCTGATGGGGAGCCCTGGTTTCAGAGACAATGCACCCCCTTCAGTAGGG[G>T]TTTCTTCTCTCCCTCCACCTCCCCCGTCATCACCTGTTGGTGGCGGGGAAGGGACACGAT-3'
Protein context (NP_001351834.1, residues 16-36): DDGGGGGREE[Thr26Asn]PTEGGALSLK